The following is an entry in ClinVar:

ClinVar aggregate classification (germline): Uncertain significance (1 of 4 stars; one submission).

Submission:

Labcorp Genetics (formerly Invitae), Labcorp
Classification: Uncertain significance. Last evaluated: 2023-01-29. Review status: criteria provided, single submitter. Criteria: Invitae Variant Classification Sherloc (09022015). Collection method: clinical testing. Allele origin: germline.
Comment: This sequence change replaces alanine, which is neutral and non-polar, with serine, which is neutral and polar, at codon 544 of the TCF3 protein (p.Ala544Ser). This variant is not present in population databases (gnomAD no frequency). This variant has not been reported in the literature in individuals affected with TCF3-related conditions. Advanced modeling of protein sequence and biophysical properties (such as structural, functional, and spatial information, amino acid conservation, physicochemical variation, residue mobility, and thermodynamic stability) performed at Invitae indicates that this missense variant is expected to disrupt TCF3 protein function. In summary, the available evidence is currently insufficient to determine the role of this variant in disease. Therefore, it has been classified as a Variant of Uncertain Significance.

NM_003200.5(TCF3):c.1630G>T (p.Ala544Ser)

Gene: TCF3 (transcription factor 3; minus strand). Cytogenetic location: 19p13.3.
Variant type: single nucleotide variant.
Coding change: c.1630G>T on transcript NM_003200.5 (MANE Select); coding-DNA position 1630, G replaced by T.
Protein change: p.Ala544Ser; replaces alanine 544 with serine.
Molecular consequence: missense variant. On other transcripts: intron variant (2).
Genome position (GRCh38, 1-based): chr19:1,615,477, C>A on the plus strand (G>T on the coding strand, the complement: TCF3 is on the minus strand). VCF-style: chr19-1615477-C-A. GRCh37 (hg19) VCF-style: chr19-1615476-C-A.
Other names: c.1627G>T, p.Ala543Ser (NM_001351778.2); c.1586+209G>T (NM_001136139.4, NM_001351779.2); short protein forms A543S, A544S.
Identifiers: ClinVar variation 2832829 (VCV002832829.3), dbSNP rs2513306998, ClinGen allele CA403050854.